The following is an entry in ClinVar:

ClinVar aggregate classification (germline): Uncertain significance. Review status: criteria provided, multiple submitters, no conflicts (2 of 4 stars). 3 submissions from 3 submitters: Uncertain significance (3). Last evaluated 2025-11-20.

Conditions:
Hereditary nonpolyposis colorectal neoplasms. Identifiers: MedGen C0009405, MeSH D003123.
Hereditary cancer-predisposing syndrome. Also called: Neoplastic Syndromes, Hereditary; Tumor predisposition; Hereditary Cancer Syndrome; Hereditary neoplastic syndrome. Identifiers: Orphanet 140162, MedGen C0027672, MeSH D009386, MONDO:0015356.
Lynch syndrome. Identifiers: Orphanet 144, MedGen C4552100, MONDO:0005835. Disease mechanism: loss of function.

Submissions (3):

Labcorp Genetics (formerly Invitae), Labcorp
Classification: Uncertain significance for Hereditary nonpolyposis colorectal neoplasms. Last evaluated: 2025-11-20. Review status: criteria provided, single submitter. Criteria: Invitae Variant Classification Sherloc (09022015). Collection method: clinical testing. Allele origin: germline.
Comment: This sequence change replaces alanine, which is neutral and non-polar, with glycine, which is neutral and non-polar, at codon 127 of the PMS2 protein (p.Ala127Gly). This variant is not present in population databases (gnomAD no frequency). This variant has not been reported in the literature in individuals affected with PMS2-related conditions. ClinVar contains an entry for this variant (Variation ID: 1735133). Invitae Evidence Modeling incorporating data from in vitro experimental studies (internal data) indicates that this missense variant is not expected to disrupt PMS2 function with a negative predictive value of 95%. In summary, the available evidence is currently insufficient to determine the role of this variant in disease. Therefore, it has been classified as a Variant of Uncertain Significance.

All of Us Research Program, National Institutes of Health
Classification: Uncertain significance for Lynch syndrome. Last evaluated: 2023-05-04. Review status: criteria provided, single submitter. Criteria: ACMG Guidelines, 2015. Collection method: clinical testing. Allele origin: germline. Inheritance: Autosomal dominant inheritance. Observed: 1 variant allele, 1 heterozygote.
Comment: This missense variant replaces alanine with glycine at codon 127 of the PMS2 protein. Computational prediction suggests that this variant may not impact protein structure and function (internally defined REVEL score threshold <= 0.5, PMID: 27666373). To our knowledge, functional studies have not been reported for this variant. This variant has not been reported in individuals affected with PMS2-related disorders in the literature. This variant has not been identified in the general population by the Genome Aggregation Database (gnomAD). The available evidence is insufficient to determine the role of this variant in disease conclusively. Therefore, this variant is classified as a Variant of Uncertain Significance.

This study involves interpretation of variants in research participants for the purpose of population health screening. Participant phenotype was not available at the time of variant classification. Additional details can be found in publication PMID: 35346344, PMCID: PMC8962531

Ambry Genetics
Classification: Uncertain significance for Hereditary cancer-predisposing syndrome. Last evaluated: 2021-12-08. Review status: criteria provided, single submitter. Criteria: Ambry Variant Classification Scheme 2023. Collection method: clinical testing. Allele origin: germline.
Comment: The p.A127G variant (also known as c.380C>G), located in coding exon 5 of the PMS2 gene, results from a C to G substitution at nucleotide position 380. The alanine at codon 127 is replaced by glycine, an amino acid with similar properties. This amino acid position is poorly conserved in available vertebrate species. In addition, this alteration is predicted to be tolerated by in silico analysis. Since supporting evidence is limited at this time, the clinical significance of this alteration remains unclear.

NM_000535.7(PMS2):c.380C>G (p.Ala127Gly)

Gene: PMS2 (PMS1 homolog 2, mismatch repair system component; minus strand). Cytogenetic location: 7p22.1.
Variant type: single nucleotide variant.
Coding change: c.380C>G on transcript NM_000535.7 (MANE Select); coding-DNA position 380, C replaced by G.
Protein change: p.Ala127Gly; replaces alanine 127 with glycine.
Molecular consequence: missense variant. On other transcripts: 5 prime UTR variant (8), non-coding transcript variant (1).
Genome position (GRCh38, 1-based): chr7:6,002,610, G>C on the plus strand (C>G on the coding strand, the complement: PMS2 is on the minus strand). VCF-style: chr7-6002610-G-C. GRCh37 (hg19) VCF-style: chr7-6042241-G-C.
Other names: c.62C>G, p.Ala21Gly (NM_001322007.2, NM_001322008.2, NM_001406876.1 and 4 more transcripts); c.-26C>G (NM_001322009.2, NM_001322010.2, NM_001322013.2 and 25 more transcripts); c.-505C>G (NM_001322011.2, NM_001322012.2); c.380C>G, p.Ala127Gly (NM_001322014.2, NM_001406869.1, NM_001406870.1 and 8 more transcripts); c.71C>G, p.Ala24Gly (NM_001322015.2, NM_001406875.1, NM_001406877.1 and 6 more transcripts); c.566C>G, p.Ala189Gly (NM_001406866.1); c.404C>G, p.Ala135Gly (NM_001406868.1); short protein forms A21G, A24G, A135G, A127G, A189G.
Identifiers: ClinVar variation 1735133 (VCV001735133.8), dbSNP rs2128819037, ClinGen allele CA366744463.